The following is an entry in ClinVar:

NM_024649.5(BBS1):c.664G>C (p.Gly222Arg)

Gene: BBS1 (Bardet-Biedl syndrome 1; plus strand). Cytogenetic location: 11q13.2.
Variant type: single nucleotide variant.
Coding change: c.664G>C on transcript NM_024649.5 (MANE Select); coding-DNA position 664, G replaced by C.
Protein change: p.Gly222Arg; replaces glycine 222 with arginine.
Molecular consequence: missense variant.
Genome position (GRCh38, 1-based): chr11:66,519,689, G>C. VCF-style: chr11-66519689-G-C. GRCh37 (hg19) VCF-style: chr11-66287160-G-C.
Other names: short protein forms G222R.
Identifiers: ClinVar variation 554929 (VCV000554929.11), dbSNP rs761760689, ClinGen allele CA6123439.
Genomic context (GRCh38, chr11:66,519,689, plus strand): 5'-ACCATGACCACCTTGAAGAAGAACCTGGCTGACGAGGATGCTGTGTCTTGCCTGGTGCTG[G>C]GCACCGAGAACAAGGAGCTCCTGGTGCTTGACCCCGAGGCCTTCACCATTTTAGCCAAGG-3'
Protein context (NP_078925.3, residues 212-232): DEDAVSCLVL[Gly222Arg]TENKELLVLD

ClinVar aggregate classification (germline): Conflicting classifications of pathogenicity. Review status: criteria provided, conflicting classifications (1 of 4 stars). 3 submissions from 3 submitters: Likely pathogenic (1); Uncertain significance (1). 1 of the submissions does not count toward it. Last evaluated 2022-12-04.

Conditions:
Bardet-Biedl syndrome 1 (BBS1). Identifiers: MedGen C2936862, MONDO:0008854, OMIM 209900. Disease mechanism: loss of function.
Retinitis pigmentosa (RP). Identifiers: Orphanet 791, MedGen C0035334, MeSH D012174, MONDO:0019200, OMIM 268000. Inheritance: Autosomal dominant, autosomal recessive and X linked inheritance.
Bardet-Biedl syndrome (BBS). Identifiers: Orphanet 110, MedGen C0752166, MONDO:0015229.

Allele frequency attached by ClinVar (database versions not stated): gnomAD exomes 0.00001; TOPMed 0.00001; ExAC 0.00002.
gnomAD v4.1: 3 of 1,613,782 alleles (0.00019%); highest among the groups gnomAD compares: Non-Finnish European, 0.00025%; no homozygotes.

Submissions (3):

Labcorp Genetics (formerly Invitae), Labcorp
Classification: Likely pathogenic for Bardet-Biedl syndrome. Last evaluated: 2022-12-04. Review status: criteria provided, single submitter. Criteria: Invitae Variant Classification Sherloc (09022015). Collection method: clinical testing. Allele origin: germline.
Comment: This sequence change replaces glycine, which is neutral and non-polar, with arginine, which is basic and polar, at codon 222 of the BBS1 protein (p.Gly222Arg). This variant is present in population databases (rs761760689, gnomAD 0.002%). This missense change has been observed in individuals with BBS1-related conditions (PMID: 28143435; Invitae). ClinVar contains an entry for this variant (Variation ID: 554929). Advanced modeling of protein sequence and biophysical properties (such as structural, functional, and spatial information, amino acid conservation, physicochemical variation, residue mobility, and thermodynamic stability) performed at Invitae indicates that this missense variant is expected to disrupt BBS1 protein function. In summary, the currently available evidence indicates that the variant is pathogenic, but additional data are needed to prove that conclusively. Therefore, this variant has been classified as Likely Pathogenic.

Broad Center for Mendelian Genomics, Broad Institute of MIT and Harvard
Classification: Uncertain significance for Retinitis pigmentosa. Last evaluated: 2021-04-01. Review status: criteria provided, single submitter. Criteria: ACMG Guidelines, 2015. Collection method: curation. Allele origin: germline. Inheritance: Autosomal recessive inheritance. Affected: yes.
Comment: Through a review of available evidence we were able to apply the following criteria: PM2, PP3, PM3-P. Based on this evidence we have classified this variant as a Variant of Uncertain Significance. If you have any questions about the classification please reach out to the Pierce Lab.

Counsyl
Classification: Uncertain significance for Bardet-Biedl syndrome 1. Last evaluated: 2017-11-08. Review status: no assertion criteria provided. Collection method: clinical testing. Allele origin: unknown. Not counted in ClinVar's aggregate classification.

Literature cited by the submitters: PubMed 28143435 (cited by 3 submitters); PubMed 34906470 (cited by Broad Center for Mendelian Genomics, Broad Institute of MIT and Harvard).